The following is an entry in ClinVar:

NM_000238.4(KCNH2):c.1887C>T (p.Asn629=)

Gene: KCNH2 (potassium voltage-gated channel subfamily H member 2; minus strand). Cytogenetic location: 7q36.1.
Variant type: single nucleotide variant.
Coding change: c.1887C>T on transcript NM_000238.4 (MANE Select); coding-DNA position 1887, C replaced by T.
Protein change: p.Asn629=; no amino-acid change (asparagine 629 retained).
Molecular consequence: synonymous variant. On other transcripts: non-coding transcript variant (2).
Genome position (GRCh38, 1-based): chr7:150,951,506, G>A on the plus strand (C>T on the coding strand, the complement: KCNH2 is on the minus strand). VCF-style: chr7-150951506-G-A. GRCh37 (hg19) VCF-style: chr7-150648594-G-A.
Other names: c.1887C>T (NM_000238.2); c.867C>T, p.Asn289= (NM_001204798.2, NM_172057.3); c.1599C>T, p.Asn533= (NM_001406753.1, NM_001406756.1); c.1710C>T, p.Asn570= (NM_001406755.1); c.1587C>T, p.Asn529= (NM_001406757.1); c.1887C>T, p.Asn629= (NM_172056.3).
Identifiers: ClinVar variation 629751 (VCV000629751.91), dbSNP rs41307295, ClinGen allele CA029646.

ClinVar aggregate classification (germline): Benign/Likely benign. Review status: criteria provided, multiple submitters, no conflicts (2 of 4 stars). 8 submissions from 8 submitters: Benign (3); Likely benign (4). 1 of the submissions does not count toward it. Last evaluated 2026-01-17.

Conditions:
KCNH2-related disorder. Also called: KCNH2-related disorders; KCNH2-related condition.
Long QT syndrome (LQTS). Identifiers: MedGen C0023976, MeSH D008133, MONDO:0002442. Disease mechanism: loss of function. Inheritance: Various modes of inheritance.
Cardiovascular phenotype. Identifiers: MedGen CN230736.
Cardiac arrhythmia. Also called: Arrhythmia; Cardiac rhythm disease. Identifiers: MedGen C0003811, MONDO:0007263, HP:0011675.

Allele frequency attached by ClinVar (database versions not stated): gnomAD 0.00003; gnomAD exomes 0.00004 and 0.00014; TOPMed 0.00006; ExAC 0.00009; 1000 Genomes Project 30x 0.00016; 1000 Genomes Project 0.00020.

Submissions (8):

Labcorp Genetics (formerly Invitae), Labcorp
Classification: Likely benign for Long QT syndrome. Last evaluated: 2026-01-17. Review status: criteria provided, single submitter. Criteria: Invitae Variant Classification Sherloc (09022015). Collection method: clinical testing. Allele origin: germline.

Ambry Genetics
Classification: Likely benign for Cardiovascular phenotype. Last evaluated: 2024-05-19. Review status: criteria provided, single submitter. Criteria: Ambry Variant Classification Scheme 2023. Collection method: clinical testing. Allele origin: germline.

All of Us Research Program, National Institutes of Health
Classification: Benign for Long QT syndrome. Last evaluated: 2023-11-30. Review status: criteria provided, single submitter. Criteria: ACMG Guidelines, 2015. Collection method: clinical testing. Allele origin: germline. Inheritance: Autosomal dominant inheritance. Observed: 10 variant alleles, 10 heterozygotes.
Comment: This study involves interpretation of variants in research participants for the purpose of population health screening. Participant phenotype was not available at the time of variant classification. Additional details can be found in publication PMID: 35346344, PMCID: PMC8962531

CeGaT Center for Human Genetics Tuebingen
Classification: Likely benign. Last evaluated: 2023-03-01. Review status: criteria provided, single submitter. Criteria: CeGaT Center For Human Genetics Tuebingen Variant Classification Criteria Version 2. Collection method: clinical testing. Allele origin: germline. Affected: yes. Observed: 3 variant alleles.
Comment: KCNH2: BP4, BP7, BS1

Blueprint Genetics
Classification: Likely benign. Last evaluated: 2020-01-31. Review status: criteria provided, single submitter. Criteria: ACMG Guidelines, 2015. Collection method: clinical testing. Allele origin: germline.

Color Diagnostics, LLC DBA Color Health
Classification: Benign for Arrhythmia. Last evaluated: 2018-10-18. Review status: criteria provided, single submitter. Criteria: ACMG Guidelines, 2015. Collection method: clinical testing. Allele origin: germline.

GeneDx
Classification: Benign. Last evaluated: 2015-03-03. Review status: criteria provided, single submitter. Criteria: GeneDx Variant Classification Process June 2021. Collection method: clinical testing. Allele origin: germline. Affected: yes.

PreventionGenetics, part of Exact Sciences
Classification: Likely benign for KCNH2-related condition. Last evaluated: 2019-06-13. Review status: no assertion criteria provided. Collection method: clinical testing. Allele origin: germline. Not counted in ClinVar's aggregate classification.
Comment: This variant is classified as likely benign based on ACMG/AMP sequence variant interpretation guidelines (Richards et al. 2015 PMID: 25741868, with internal and published modifications).